The following is an entry in ClinVar:

ClinVar aggregate classification (germline): Uncertain significance (1 of 4 stars; one submission).

Submission:

Labcorp Genetics (formerly Invitae), Labcorp
Classification: Uncertain significance. Last evaluated: 2024-06-13. Review status: criteria provided, single submitter. Criteria: Invitae Variant Classification Sherloc (09022015). Collection method: clinical testing. Allele origin: germline.
Comment: This sequence change replaces glutamine, which is neutral and polar, with arginine, which is basic and polar, at codon 274 of the AHDC1 protein (p.Gln274Arg). This variant is not present in population databases (gnomAD no frequency). This variant has not been reported in the literature in individuals affected with AHDC1-related conditions. An algorithm developed to predict the effect of missense changes on protein structure and function (PolyPhen-2) suggests that this variant is likely to be tolerated. In summary, the available evidence is currently insufficient to determine the role of this variant in disease. Therefore, it has been classified as a Variant of Uncertain Significance.

NM_001371928.1(AHDC1):c.821A>G (p.Gln274Arg)

Gene: AHDC1 (AT-hook DNA binding motif containing 1; minus strand). Cytogenetic location: 1p36.11.
Variant type: single nucleotide variant.
Coding change: c.821A>G on transcript NM_001371928.1 (MANE Select); coding-DNA position 821, A replaced by G.
Protein change: p.Gln274Arg; replaces glutamine 274 with arginine.
Molecular consequence: missense variant.
Genome position (GRCh38, 1-based): chr1:27,551,295, T>C on the plus strand (A>G on the coding strand, the complement: AHDC1 is on the minus strand). VCF-style: chr1-27551295-T-C. GRCh37 (hg19) VCF-style: chr1-27877806-T-C.
Other names: c.821A>G, p.Gln274Arg (NM_001029882.3); short protein forms Q274R.
Identifiers: ClinVar variation 3631595 (VCV003631595.2).
Genomic context (GRCh38, chr1:27,551,295, plus strand): 5'-GCTTCCCCGAGCGGCTCTAGTGCCTGCGGGTCCAGGAAGCGGGGCTGGGGGTCCAGGAGC[T>C]GAGGCTCCGGCTCGGGCGATGGTGGCTCGAGGGCCTGGGCCTCTAGCAGCTGGGCCTCTG-3'
Protein context (NP_001358857.1, residues 264-284): LEPPSPEPEP[Gln274Arg]LLDPQPRFLD